The following is an entry in ClinVar:

NM_020822.3(KCNT1):c.55G>C (p.Gly19Arg)

Gene: KCNT1 (potassium sodium-activated channel subfamily T member 1; plus strand). Cytogenetic location: 9q34.3.
Variant type: single nucleotide variant.
Coding change: c.55G>C on transcript NM_020822.3 (MANE Select); coding-DNA position 55, G replaced by C.
Protein change: p.Gly19Arg; replaces glycine 19 with arginine.
Molecular consequence: missense variant.
Genome position (GRCh38, 1-based): chr9:135,702,313, G>C. VCF-style: chr9-135702313-G-C. GRCh37 (hg19) VCF-style: chr9-138594159-G-C.
Other names: c.55G>C, p.Gly19Arg (NM_001272003.2); short protein forms G19R.
Identifiers: ClinVar variation 2929807 (VCV002929807.3), dbSNP rs778657830, ClinGen allele CA375492579.

ClinVar aggregate classification (germline): Uncertain significance (1 of 4 stars; one submission).

Conditions:
Autosomal dominant nocturnal frontal lobe epilepsy 5. Also called: KCNT1-Related Epilepsy; CILIARY DYSKINESIA, PRIMARY, 28, WITH SITUS INVERSUS; CILIARY DYSKINESIA, PRIMARY, 28, WITHOUT SITUS INVERSUS; Epilepsy, nocturnal frontal lobe, 5. Identifiers: Orphanet 98784, MedGen C3554306, MONDO:0014002, OMIM 615005.
Developmental and epileptic encephalopathy, 14 (DEE14). Also called: Early infantile epileptic encephalopathy 14. Identifiers: Orphanet 293181, MedGen C3554195, MONDO:0013989, OMIM 614959.

gnomAD v4.1: 1 of 1,610,786 alleles (0.000062%); highest among the groups gnomAD compares: African/African-American, 0.0013%; no homozygotes.

Submission:

Labcorp Genetics (formerly Invitae), Labcorp
Classification: Uncertain significance for Autosomal dominant nocturnal frontal lobe epilepsy 5; Developmental and epileptic encephalopathy, 14. Last evaluated: 2023-01-13. Review status: criteria provided, single submitter. Criteria: Invitae Variant Classification Sherloc (09022015). Collection method: clinical testing. Allele origin: germline.
Comment: Advanced modeling of protein sequence and biophysical properties (such as structural, functional, and spatial information, amino acid conservation, physicochemical variation, residue mobility, and thermodynamic stability) performed at Invitae indicates that this missense variant is not expected to disrupt KCNT1 protein function. This variant has not been reported in the literature in individuals affected with KCNT1-related conditions. This variant is not present in population databases (gnomAD no frequency). This sequence change replaces glycine, which is neutral and non-polar, with arginine, which is basic and polar, at codon 19 of the KCNT1 protein (p.Gly19Arg). In summary, the available evidence is currently insufficient to determine the role of this variant in disease. Therefore, it has been classified as a Variant of Uncertain Significance.